The following is an entry in ClinVar:

NM_004453.4(ETFDH):c.769T>C (p.Tyr257His)

Gene: ETFDH (electron transfer flavoprotein dehydrogenase; plus strand). Cytogenetic location: 4q32.1.
Variant type: single nucleotide variant.
Coding change: c.769T>C on transcript NM_004453.4 (MANE Select); coding-DNA position 769, T replaced by C.
Protein change: p.Tyr257His; replaces tyrosine 257 with histidine.
Molecular consequence: missense variant.
Genome position (GRCh38, 1-based): chr4:158,695,581, T>C. VCF-style: chr4-158695581-T-C. GRCh37 (hg19) VCF-style: chr4-159616733-T-C.
Other names: c.628T>C, p.Tyr210His (NM_001281737.2); c.586T>C, p.Tyr196His (NM_001281738.1); short protein forms Y196H, Y210H, Y257H.
Identifiers: ClinVar variation 951486 (VCV000951486.7), dbSNP rs1441657866, ClinGen allele CA358560856.

ClinVar aggregate classification (germline): Likely pathogenic (1 of 4 stars; one submission).

Conditions:
Multiple acyl-CoA dehydrogenase deficiency (MADD). Also called: Glutaric acidemia type II; GA 2; Glutaric Acidemia type 2; ETHYLMALONIC-ADIPICACIDURIA; GA II; Glutaric aciduria, type 2. Identifiers: Orphanet 26791, MedGen C0268596, MONDO:0009282, OMIM 231680.

Allele frequency attached by ClinVar (database versions not stated): gnomAD exomes below 0.00001; TOPMed 0.00001.
gnomAD v4.1: 2 of 1,611,612 alleles (0.00012%); highest among the groups gnomAD compares: African/African-American, 0.0013%; no homozygotes.

Submission:

Labcorp Genetics (formerly Invitae), Labcorp
Classification: Likely pathogenic for Multiple acyl-CoA dehydrogenase deficiency. Last evaluated: 2021-08-30. Review status: criteria provided, single submitter. Criteria: Invitae Variant Classification Sherloc (09022015). Collection method: clinical testing. Allele origin: germline.
Comment: This sequence change replaces tyrosine with histidine at codon 257 of the ETFDH protein (p.Tyr257His). The tyrosine residue is moderately conserved and there is a moderate physicochemical difference between tyrosine and histidine. This variant is not present in population databases (ExAC no frequency). This missense change has been observed in individual(s) with ETFDH-related condition (PMID: 27038534). ClinVar contains an entry for this variant (Variation ID: 951486). Advanced modeling of protein sequence and biophysical properties (such as structural, functional, and spatial information, amino acid conservation, physicochemical variation, residue mobility, and thermodynamic stability) performed at Invitae indicates that this missense variant is expected to disrupt ETFDH protein function. This variant disrupts the p.Tyr257 amino acid residue in ETFDH. Other variant(s) that disrupt this residue have been determined to be pathogenic (PMID: 19758981, 21347544, 23628458, 24357026, 24522293, 29336361). This suggests that this residue is clinically significant, and that variants that disrupt this residue are likely to be disease-causing. In summary, the currently available evidence indicates that the variant is pathogenic, but additional data are needed to prove that conclusively. Therefore, this variant has been classified as Likely Pathogenic.

Literature cited by the submitters: PubMed 27038534; PubMed 19758981; PubMed 21347544; PubMed 23628458; PubMed 24357026; PubMed 24522293; PubMed 29336361.